The following is an entry in ClinVar:

ClinVar aggregate classification (germline): Benign (1 of 4 stars; one submission).

Conditions:
Seizures, benign familial infantile, 3 (BFIS3). Also called: CONVULSIONS, BENIGN FAMILIAL INFANTILE, 3; Familial neonatal seizures. Identifiers: Orphanet 140927, Orphanet 306, MedGen C1843140, MONDO:0011904, OMIM 607745.

Allele frequency attached by ClinVar (database versions not stated): 1000 Genomes Project 0.00100; 1000 Genomes Project 30x 0.00125; gnomAD 0.00220 and 0.00251; TOPMed 0.00263.

Submission:

Illumina Laboratory Services, Illumina
Classification: Benign for Seizures, benign familial infantile, 3. Last evaluated: 2018-01-13. Review status: criteria provided, single submitter. Criteria: ICSL Variant Classification Criteria 13 December 2019. Collection method: clinical testing. Allele origin: germline.
Comment: This variant was observed in the ICSL laboratory as part of a predisposition screen in an ostensibly healthy population. It had not been previously curated by ICSL or reported in the Human Gene Mutation Database (HGMD: prior to June 1st, 2018), and was therefore a candidate for classification through an automated scoring system. Utilizing variant allele frequency, disease prevalence and penetrance estimates, and inheritance mode, an automated score was calculated to assess if this variant is too frequent to cause the disease. Based on the score and internal cut-off values, a variant classified as benign is not then subjected to further curation. The score for this variant resulted in a classification of benign for this disease.

NM_001040142.2(SCN2A):c.*853C>T

Gene: SCN2A (sodium voltage-gated channel alpha subunit 2; plus strand). Cytogenetic location: 2q24.3.
Variant type: single nucleotide variant.
Coding change: c.*853C>T on transcript NM_001040142.2 (MANE Select); 853 bases downstream of the stop codon, C replaced by T.
Molecular consequence: 3 prime UTR variant.
Genome position (GRCh38, 1-based): chr2:165,390,677, C>T. VCF-style: chr2-165390677-C-T. GRCh37 (hg19) VCF-style: chr2-166247187-C-T.
Other names: c.*853C>T (NM_001040143.2, NM_001371246.1, NM_001371247.1 and 1 more transcripts).
Identifiers: ClinVar variation 331750 (VCV000331750.5), dbSNP rs188104763, ClinGen allele CA10611488.
Genomic context (GRCh38, chr2:165,390,677, plus strand): 5'-TGTATATGTGCGTGTATATACATATATATGTATACACACATGCACACACAGAGATATACA[C>T]ATACCATTACATTGTCATTCACAGTCCCAGCAGCATGACTATCACATTTTTGATAAGTGT-3'